The following is an entry in ClinVar:

NM_001205293.3(CACNA1E):c.3229G>A (p.Val1077Met)

Gene: CACNA1E (calcium voltage-gated channel subunit alpha1 E; plus strand). Cytogenetic location: 1q25.3.
Variant type: single nucleotide variant.
Coding change: c.3229G>A on transcript NM_001205293.3 (MANE Select); coding-DNA position 3229, G replaced by A.
Protein change: p.Val1077Met; replaces valine 1077 with methionine.
Molecular consequence: missense variant.
Genome position (GRCh38, 1-based): chr1:181,733,717, G>A. VCF-style: chr1-181733717-G-A. GRCh37 (hg19) VCF-style: chr1-181702853-G-A.
Other names: c.3229G>A (NM_001205293.1); c.3172G>A, p.Val1058Met (NM_001205294.2); c.3229G>A, p.Val1077Met (NM_000721.4); short protein forms V1058M, V1077M.
Identifiers: ClinVar variation 1304580 (VCV001304580.12), dbSNP rs371974841, ClinGen allele CA1275514.

ClinVar aggregate classification (germline): Benign/Likely benign. Review status: criteria provided, multiple submitters, no conflicts (2 of 4 stars). 5 submissions from 5 submitters: Benign (2); Likely benign (3). Last evaluated 2025-11-12.

Conditions:
Developmental and epileptic encephalopathy, 69. Also called: EPILEPTIC ENCEPHALOPATHY, EARLY INFANTILE, 69. Identifiers: MedGen C4748988, MONDO:0032657, OMIM 618285.
CACNA1E-related disorder. Also called: CACNA1E-related condition.
Inborn genetic diseases. Identifiers: MedGen C0950123, MeSH D030342.

Allele frequency attached by ClinVar (database versions not stated): gnomAD exomes 0.00008; ExAC 0.00010; TOPMed 0.00018; 1000 Genomes Project 0.00020; gnomAD 0.00020 and 0.00021; 1000 Genomes Project 30x 0.00031; ESP Exome Variant Server 0.00039.
gnomAD v4.1: 70 of 1,581,706 alleles (0.0044%); highest among the groups gnomAD compares: African/African-American, 0.064%; no homozygotes.

Submissions (5):

Labcorp Genetics (formerly Invitae), Labcorp
Classification: Benign. Last evaluated: 2025-11-12. Review status: criteria provided, single submitter. Criteria: Invitae Variant Classification Sherloc (09022015). Collection method: clinical testing. Allele origin: germline.

PreventionGenetics, part of Exact Sciences
Classification: Likely benign for CACNA1E-related condition. Last evaluated: 2024-10-17. Review status: criteria provided, single submitter. Criteria: ACMG Guidelines, 2015. Collection method: clinical testing. Allele origin: germline.
Comment: This variant is classified as likely benign based on ACMG/AMP sequence variant interpretation guidelines (Richards et al. 2015 PMID: 25741868, with internal and published modifications).

Genome-Nilou Lab
Classification: Likely benign for Developmental and epileptic encephalopathy, 69. Last evaluated: 2023-04-11. Review status: criteria provided, single submitter. Criteria: ACMG Guidelines, 2015. Collection method: clinical testing. Allele origin: germline. Affected: no.

Ambry Genetics
Classification: Likely benign for Inborn genetic diseases. Last evaluated: 2022-04-25. Review status: criteria provided, single submitter. Criteria: Ambry Variant Classification Scheme 2023. Collection method: clinical testing. Allele origin: germline.

GeneDx
Classification: Benign. Last evaluated: 2021-08-11. Review status: criteria provided, single submitter. Criteria: GeneDx Variant Classification Process June 2021. Collection method: clinical testing. Allele origin: germline. Affected: yes.